The following is an entry in ClinVar:

NM_001267550.2(TTN):c.58796C>T (p.Thr19599Ile)

Genes: TTN (titin; minus strand), TTN-AS1 (TTN antisense RNA 1; plus strand). Cytogenetic location: 2q31.2.
Variant type: single nucleotide variant.
Coding change: c.58796C>T on transcript NM_001267550.2 (MANE Select); coding-DNA position 58796, C replaced by T.
Protein change: p.Thr19599Ile; replaces threonine 19599 with isoleucine.
Molecular consequence: missense variant.
Genome position (GRCh38, 1-based): chr2:178,593,412, G>A on the plus strand (C>T on the coding strand, the complement: TTN is on the minus strand). VCF-style: chr2-178593412-G-A. GRCh37 (hg19) VCF-style: chr2-179458139-G-A.
Other names: c.53873C>T, p.Thr17958Ile (NM_001256850.1); c.31601C>T, p.Thr10534Ile (NM_003319.4); c.31976C>T, p.Thr10659Ile (NM_133432.3); c.32177C>T, p.Thr10726Ile (NM_133437.4); c.51092C>T, p.Thr17031Ile (NM_133378.4); short protein forms T17031I, T19599I, T10659I, T10726I, T17958I, T10534I.
Identifiers: ClinVar variation 178204 (VCV000178204.14), dbSNP rs367816473, ClinGen allele CA181771.

ClinVar aggregate classification (germline): Conflicting classifications of pathogenicity. Review status: criteria provided, conflicting classifications (1 of 4 stars). 5 submissions from 5 submitters: Uncertain significance (4); Likely benign (1). Last evaluated 2026-05-07.

Conditions:
TTN-related disorder. Also called: TTN-related condition; TTN-related disease; TTN-related disorders.
Dilated cardiomyopathy 1G (CMD1G). Identifiers: Orphanet 154, MedGen C1858763, MONDO:0011400, OMIM 604145.
Autosomal recessive limb-girdle muscular dystrophy type 2J (LGMDR10). Also called: Limb-girdle muscular dystrophy, type 2J; MUSCULAR DYSTROPHY, LIMB-GIRDLE, AUTOSOMAL RECESSIVE 10. Identifiers: Orphanet 140922, MedGen C1837342, MONDO:0012127, OMIM 608807.

Allele frequency attached by ClinVar (database versions not stated): gnomAD exomes 0.00001 and 0.00004; ExAC 0.00004; ESP Exome Variant Server 0.00008; gnomAD 0.00017 and 0.00020; TOPMed 0.00025.
gnomAD v4.1: 45 of 1,613,160 alleles (0.0028%); highest among the groups gnomAD compares: African/African-American, 0.045%; no homozygotes.

Submissions (5):

PreventionGenetics, part of Exact Sciences
Classification: Uncertain significance for TTN-related condition. Last evaluated: 2026-05-07. Review status: criteria provided, single submitter. Criteria: ACMG Guidelines, 2015. Collection method: clinical testing. Allele origin: germline.
Comment: The TTN c.58796C>T variant is predicted to result in the amino acid substitution p.Thr19599Ile. This variant has been reported in one individual with dilated cardiomyopathy (Table S3, Mazzarotto et al. 2020, PubMed ID: 31983221). This variant is reported in 0.045% of alleles in individuals of African descent in gnomAD. At this time, the clinical significance of this variant is uncertain due to the absence of conclusive functional and genetic evidence.

GeneDx
Classification: Likely benign. Last evaluated: 2020-07-10. Review status: criteria provided, single submitter. Criteria: GeneDx Variant Classification Process June 2021. Collection method: clinical testing. Allele origin: germline. Affected: yes.
Comment: This variant is associated with the following publications: (PMID: 31983221)

Revvity Omics, Revvity
Classification: Uncertain significance. Last evaluated: 2020-03-27. Review status: criteria provided, single submitter. Criteria: ACMG Guidelines, 2015. Collection method: clinical testing. Allele origin: germline.

Laboratory for Molecular Medicine, Mass General Brigham Personalized Medicine
Classification: Uncertain significance. Last evaluated: 2017-09-11. Review status: criteria provided, single submitter. Criteria: LMM Criteria. Collection method: clinical testing. Allele origin: germline. Observed: 2 variant alleles.
Comment: It has also been identified in 11/23996 of Afr ican chromosomes by the Genome Aggregation Database (gnomAD; dbSNP rs367816473). This variant has also been reported in ClinVa r (Variation ID:178204). Computational prediction tools and conservation analysi s do not provide strong support for or against an impact to the protein, though several reptiles and some fish species carry an isoleucine (Ile) at this positio n which suggests that this change may be tolerated. In summary, the clinical sig nificance of the p.Thr17031Ile variant is uncertain.

Labcorp Genetics (formerly Invitae), Labcorp
Classification: Uncertain significance for Dilated cardiomyopathy 1G; Autosomal recessive limb-girdle muscular dystrophy type 2J. Last evaluated: 2017-08-04. Review status: criteria provided, single submitter. Criteria: Invitae Variant Classification Sherloc (09022015). Collection method: clinical testing. Allele origin: germline.